The following is an entry in ClinVar:

ClinVar aggregate classification (germline): Uncertain significance. Review status: criteria provided, multiple submitters, no conflicts (2 of 4 stars). 2 submissions from 2 submitters: Uncertain significance (2). Last evaluated 2026-07-07.

Conditions:
Hereditary cancer-predisposing syndrome. Also called: Hereditary Cancer Syndrome; Hereditary neoplastic syndrome; Neoplastic Syndromes, Hereditary; Tumor predisposition. Identifiers: Orphanet 140162, MedGen C0027672, MeSH D009386, MONDO:0015356.
Gorlin syndrome. Also called: Nevoid Basal Cell Carcinoma Syndrome; Basal cell nevus syndrome. Identifiers: Orphanet 377, MedGen C0004779, MONDO:0007187.
Medulloblastoma (MDB). Also called: MEDULLOBLASTOMA PREDISPOSITION SYNDROME; Medulloblastoma, somatic. Identifiers: Orphanet 616, MedGen C0025149, MeSH D008527, MONDO:0007959, OMIM 155255, HP:0002885.

Submissions (2):

Ambry Genetics
Classification: Uncertain significance for Hereditary cancer-predisposing syndrome. Last evaluated: 2026-07-07. Review status: criteria provided, single submitter. Criteria: Ambry Variant Classification Scheme 2023. Collection method: clinical testing. Allele origin: germline.
Comment: The p.H89Y variant (also known as c.265C>T), located in coding exon 2 of the SUFU gene, results from a C to T substitution at nucleotide position 265. The histidine at codon 89 is replaced by tyrosine, an amino acid with similar properties. This amino acid position is conserved. In addition, this alteration is predicted to be deleterious by in silico analysis. Based on the available evidence, the clinical significance of this variant remains unclear.

Labcorp Genetics (formerly Invitae), Labcorp
Classification: Uncertain significance for Gorlin syndrome; Medulloblastoma. Last evaluated: 2025-02-07. Review status: criteria provided, single submitter. Criteria: Invitae Variant Classification Sherloc (09022015). Collection method: clinical testing. Allele origin: germline.
Comment: This sequence change replaces histidine, which is basic and polar, with tyrosine, which is neutral and polar, at codon 89 of the SUFU protein (p.His89Tyr). This variant is not present in population databases (gnomAD no frequency). This variant has not been reported in the literature in individuals affected with SUFU-related conditions. Invitae Evidence Modeling of protein sequence and biophysical properties (such as structural, functional, and spatial information, amino acid conservation, physicochemical variation, residue mobility, and thermodynamic stability) indicates that this missense variant is expected to disrupt SUFU protein function with a positive predictive value of 80%. In summary, the available evidence is currently insufficient to determine the role of this variant in disease. Therefore, it has been classified as a Variant of Uncertain Significance.

NM_016169.4(SUFU):c.265C>T (p.His89Tyr)

Gene: SUFU (SUFU negative regulator of hedgehog signaling; plus strand). Cytogenetic location: 10q24.32.
Variant type: single nucleotide variant.
Coding change: c.265C>T on transcript NM_016169.4 (MANE Select); coding-DNA position 265, C replaced by T.
Protein change: p.His89Tyr; replaces histidine 89 with tyrosine.
Molecular consequence: missense variant.
Genome position (GRCh38, 1-based): chr10:102,509,251, C>T. VCF-style: chr10-102509251-C-T. GRCh37 (hg19) VCF-style: chr10-104269008-C-T.
Other names: c.265C>T, p.His89Tyr (NM_001178133.2); short protein forms H89Y.
Identifiers: ClinVar variation 4782582 (VCV004782582.2).